The following is an entry in ClinVar:

NM_001374675.1(HSF4):c.851G>A (p.Arg284Lys)

Gene: HSF4 (heat shock transcription factor 4; plus strand). Cytogenetic location: 16q22.1.
Variant type: single nucleotide variant.
Coding change: c.851G>A on transcript NM_001374675.1 (MANE Select); coding-DNA position 851, G replaced by A.
Protein change: p.Arg284Lys; replaces arginine 284 with lysine.
Molecular consequence: missense variant.
Genome position (GRCh38, 1-based): chr16:67,167,596, G>A. VCF-style: chr16-67167596-G-A. GRCh37 (hg19) VCF-style: chr16-67201499-G-A.
Other names: c.851G>A, p.Arg284Lys (NM_001040667.3); c.865G>A, p.Gly289Arg (NM_001374674.1, NM_001538.4); short protein forms G289R, R284K.
Identifiers: ClinVar variation 1704036 (VCV001704036.2), dbSNP rs764776538, ClinGen allele CA8102000.
Genomic context (GRCh38, chr16:67,167,596, plus strand): 5'-ACATCCCAGAAGACTCTCCATCCCCTGAGGGGACCAGGCTTTCTCCCTCCAGTGATGGCA[G>A]GAGGTAAGGGGGACAGGGCTGCCCCTGAGGGGCCTGTGGGGGAGGGCCTGGCAGCCCAGA-3'
Protein context (NP_001361604.1, residues 274-294): GTRLSPSSDG[Arg284Lys]REKGLALLKE

ClinVar aggregate classification (germline): Uncertain significance (1 of 4 stars; one submission).

Allele frequency attached by ClinVar (database versions not stated): gnomAD exomes below 0.00001; ExAC 0.00001; gnomAD 0.00001; TOPMed 0.00001.
gnomAD v4.1: 4 of 1,613,224 alleles (0.00025%); highest among the groups gnomAD compares: African/African-American, 0.0053%; no homozygotes.

Submission:

GeneDx
Classification: Uncertain significance. Last evaluated: 2022-02-25. Review status: criteria provided, single submitter. Criteria: GeneDx Variant Classification Process June 2021. Collection method: clinical testing. Allele origin: germline. Affected: yes.
Comment: Not observed at significant frequency in large population cohorts (gnomAD); In silico analysis supports that this missense variant does not alter protein structure/function; Has not been previously published as pathogenic or benign to our knowledge